The following is an entry in ClinVar:

ClinVar aggregate classification (germline): Benign. Review status: criteria provided, multiple submitters, no conflicts (2 of 4 stars). 2 submissions from 2 submitters: Benign (2). Last evaluated 2018-11-10.

Allele frequency attached by ClinVar (database versions not stated): gnomAD 0.38342 and 0.39460; ESP Exome Variant Server 0.38874; TOPMed 0.39073; 1000 Genomes Project 0.41913.

Submissions (2):

GeneDx
Classification: Benign. Last evaluated: 2018-11-10. Review status: criteria provided, single submitter. Criteria: GeneDx Variant Classification Process June 2021. Collection method: clinical testing. Allele origin: germline. Affected: yes.
Comment: This variant is associated with the following publications: (PMID: 33768461)

Breakthrough Genomics
Classification: Benign. Review status: criteria provided, single submitter. Criteria: ACMG Guidelines, 2015. Collection method: not provided. Allele origin: germline. Inheritance: Autosomal dominant inheritance. Affected: yes.

NM_001626.6(AKT2):c.*58C>A

Gene: AKT2 (AKT serine/threonine kinase 2; minus strand). Cytogenetic location: 19q13.2.
Variant type: single nucleotide variant.
Coding change: c.*58C>A on transcript NM_001626.6 (MANE Select); 58 bases downstream of the stop codon, C replaced by A.
Molecular consequence: 3 prime UTR variant.
Genome position (GRCh38, 1-based): chr19:40,233,814, G>T on the plus strand (C>A on the coding strand, the complement: AKT2 is on the minus strand). VCF-style: chr19-40233814-G-T. GRCh37 (hg19) VCF-style: chr19-40739721-G-T.
Other names: c.*58C>A (NM_001243027.3, NM_001243028.3, NM_001330511.1).
Identifiers: ClinVar variation 1224269 (VCV001224269.4), dbSNP rs2304186, ClinGen allele CA14642914.
Genomic context (GRCh38, chr19:40,233,814, plus strand): 5'-AGGGGGTGAGGAGGTGGGGGTGGGGACACAAACCAAAAAGGCTAAGTAAAAAGTTAGGGG[G>T]AAAAAACCACCCAGCGGTGATGGCAGCGAGCGTGCGTCCTCTGCGTGGGCAGACTGCTCA-3'